The following is an entry in ClinVar:

NM_018344.6(SLC29A3):c.498G>C (p.Ala166=)

Gene: SLC29A3 (solute carrier family 29 member 3; plus strand). Cytogenetic location: 10q22.1.
Variant type: single nucleotide variant.
Coding change: c.498G>C on transcript NM_018344.6 (MANE Select); coding-DNA position 498, G replaced by C.
Protein change: p.Ala166=; no amino-acid change (alanine 166 retained).
Molecular consequence: synonymous variant. On other transcripts: non-coding transcript variant (1).
Genome position (GRCh38, 1-based): chr10:71,351,676, G>C. VCF-style: chr10-71351676-G-C. GRCh37 (hg19) VCF-style: chr10-73111433-G-C.
Other names: p.Ala166=; c.498G>C, p.Ala166= (NM_001174098.2); c.264G>C, p.Ala88= (NM_001363518.2).
Identifiers: ClinVar variation 300361 (VCV000300361.17), dbSNP rs150879861, ClinGen allele CA5542947.
Genomic context (GRCh38, chr10:71,351,676, plus strand): 5'-CATGGTGATAACTGCACTGGTGAAGGTGGACACTTCCTCCTGGACCCGTGGCTTTTTTGC[G>C]GTCACCATTGTCTGCATGGTGATCCTCAGCGGTGCCTCCACTGTCTTCAGCAGCAGCATC-3'
Protein context (NP_060814.4, residues 156-176): DTSSWTRGFF[Ala166=]VTIVCMVILS

ClinVar aggregate classification (germline): Benign. Review status: criteria provided, multiple submitters, no conflicts (2 of 4 stars). 4 submissions from 4 submitters: Benign (4). Last evaluated 2026-01-26.

Conditions:
H syndrome. Also called: Pigmented hypertrichosis and insulin-dependent diabetes mellitus; HISTIOCYTOSIS AND LYMPHADENOPATHY WITH OR WITHOUT CUTANEOUS, CARDIAC, AND/OR ENDOCRINE FEATURES, JOINT CONTRACTURES, AND/OR DEAFNESS; HYPERPIGMENTATION, CUTANEOUS, WITH HYPERTRICHOSIS, HEPATOSPLENOMEGALY, HEART ANOMALIES, AND HYPOGONADISM WITH OR WITHOUT HEARING LOSS; PIGMENTED HYPERTRICHOSIS WITH INSULIN-DEPENDENT DIABETES MELLITUS; ROSAI-DORFMAN DISEASE, FAMILIAL; SINUS HISTIOCYTOSIS AND MASSIVE LYMPHADENOPATHY. Identifiers: Orphanet 168569, MedGen C1864445, MONDO:0011273, OMIM 602782.

Allele frequency attached by ClinVar (database versions not stated): ESP Exome Variant Server 0.00054; TOPMed 0.00151; 1000 Genomes Project 30x 0.00671; 1000 Genomes Project 0.00719.
gnomAD v4.1: 5,934 of 1,614,066 alleles (0.37%); highest among the groups gnomAD compares: South Asian, 1.6%; 117 homozygotes.

Submissions (4):

Labcorp Genetics (formerly Invitae), Labcorp
Classification: Benign for H syndrome. Last evaluated: 2026-01-26. Review status: criteria provided, single submitter. Criteria: Invitae Variant Classification Sherloc (09022015). Collection method: clinical testing. Allele origin: germline.

Mayo Clinic Laboratories, Mayo Clinic
Classification: Benign. Last evaluated: 2024-11-04. Review status: criteria provided, single submitter. Criteria: ACMG Guidelines, 2015. Collection method: clinical testing. Allele origin: germline. Observed: 2 variant alleles.
Comment: BA1, BS2, BP4, BP7

Illumina Laboratory Services, Illumina
Classification: Benign for H syndrome. Last evaluated: 2018-01-12. Review status: criteria provided, single submitter. Criteria: ICSL Variant Classification Criteria 13 December 2019. Collection method: clinical testing. Allele origin: germline.
Comment: This variant was observed in the ICSL laboratory as part of a predisposition screen in an ostensibly healthy population. It had not been previously curated by ICSL or reported in the Human Gene Mutation Database (HGMD: prior to June 1st, 2018), and was therefore a candidate for classification through an automated scoring system. Utilizing variant allele frequency, disease prevalence and penetrance estimates, and inheritance mode, an automated score was calculated to assess if this variant is too frequent to cause the disease. Based on the score and internal cut-off values, a variant classified as benign is not then subjected to further curation. The score for this variant resulted in a classification of benign for this disease.

Breakthrough Genomics
Classification: Benign. Review status: criteria provided, single submitter. Criteria: ACMG Guidelines, 2015. Collection method: not provided. Allele origin: germline. Inheritance: Autosomal recessive inheritance. Affected: yes.